The following is an entry in ClinVar:

ClinVar aggregate classification (germline): Uncertain significance (1 of 4 stars; one submission).

Conditions:
Perlman syndrome (PRLMNS). Identifiers: Orphanet 2849, MedGen C0796113, MONDO:0009965, OMIM 267000.

Allele frequency attached by ClinVar (database versions not stated): gnomAD exomes below 0.00001.
gnomAD v4.1: 2 of 1,611,414 alleles (0.00012%); highest among the groups gnomAD compares: South Asian, 0.0022%; no homozygotes.

Submission:

Labcorp Genetics (formerly Invitae), Labcorp
Classification: Uncertain significance for Perlman syndrome. Last evaluated: 2019-09-29. Review status: criteria provided, single submitter. Criteria: Invitae Variant Classification Sherloc (09022015). Collection method: clinical testing. Allele origin: germline.
Comment: This sequence change replaces glutamine with glutamic acid at codon 845 of the DIS3L2 protein (p.Gln845Glu). The glutamine residue is weakly conserved and there is a small physicochemical difference between glutamine and glutamic acid. This variant is not present in population databases (ExAC no frequency). In summary, the available evidence is currently insufficient to determine the role of this variant in disease. Therefore, it has been classified as a Variant of Uncertain Significance. Algorithms developed to predict the effect of missense changes on protein structure and function output the following: SIFT: "Tolerated"; PolyPhen-2: "Benign"; Align-GVGD: "Class C0". The glutamic acid amino acid residue is found in multiple mammalian species, suggesting that this missense change does not adversely affect protein function. These predictions have not been confirmed by published functional studies and their clinical significance is uncertain. This variant has not been reported in the literature in individuals with DIS3L2-related conditions.

NM_152383.5(DIS3L2):c.2533C>G (p.Gln845Glu)

Gene: DIS3L2 (DIS3 like 3'-5' exoribonuclease 2; plus strand). Cytogenetic location: 2q37.1.
Variant type: single nucleotide variant.
Coding change: c.2533C>G on transcript NM_152383.5 (MANE Select); coding-DNA position 2533, C replaced by G.
Protein change: p.Gln845Glu; replaces glutamine 845 with glutamic acid.
Molecular consequence: missense variant. On other transcripts: non-coding transcript variant (2), intron variant (1).
Genome position (GRCh38, 1-based): chr2:232,336,505, C>G. VCF-style: chr2-232336505-C-G. GRCh37 (hg19) VCF-style: chr2-233201215-C-G.
Other names: c.1582-6840C>G (NM_001257281.2); short protein forms Q845E.
Identifiers: ClinVar variation 953552 (VCV000953552.9), dbSNP rs1559221650, ClinGen allele CA350978908.